The following is an entry in ClinVar:

NM_006178.4(NSF):c.1217T>C (p.Ile406Thr)

Genes: LRRC37A2 (leucine rich repeat containing 37 member A2), NSF (N-ethylmaleimide sensitive factor, vesicle fusing ATPase; plus strand). Cytogenetic location: 17q21.31.
Variant type: single nucleotide variant.
Coding change: c.1217T>C on transcript NM_006178.4 (MANE Select); coding-DNA position 1217, T replaced by C.
Protein change: p.Ile406Thr; replaces isoleucine 406 with threonine.
Molecular consequence: missense variant. On other transcripts: non-coding transcript variant (1).
Genome position (GRCh38, 1-based): chr17:46,694,505, T>C. VCF-style: chr17-46694505-T-C. GRCh37 (hg19) VCF-style: chr17-44771871-T-C.
Other names: short protein forms I406T.
Identifiers: ClinVar variation 3769860 (VCV003769860.1).
Genomic context (GRCh38, chr17:46,694,505, plus strand): 5'-AAATGCCTATTTTATTTTTAATTTCATCAGGCTTGCCAGATGAGAAAGGCCGACTACAGA[T>C]TCTTCACATCCACACAGCAAGAATGAGAGGGCATCAGTTACTCTCTGCTGATGTAGACAT-3'
Protein context (NP_006169.2, residues 396-416): GLPDEKGRLQ[Ile406Thr]LHIHTARMRG

ClinVar aggregate classification (germline): Uncertain significance (1 of 4 stars; one submission).

Submission:

GeneDx
Classification: Uncertain significance. Last evaluated: 2023-06-11. Review status: criteria provided, single submitter. Criteria: GeneDx Variant Classification Process June 2021. Collection method: clinical testing. Allele origin: germline. Affected: yes.
Comment: Not observed at significant frequency in large population cohorts (gnomAD); In silico analysis supports that this missense variant has a deleterious effect on protein structure/function; Has not been previously published as pathogenic or benign to our knowledge; Variants in candidate genes are classified as variants of uncertain significance in accordance with ACMG guidelines (Richards et al., 2015)